The following is an entry in ClinVar:

ClinVar aggregate classification (germline): Likely pathogenic (1 of 4 stars; one submission).

Conditions:
Autosomal recessive polycystic kidney disease (ARPKD). Also called: AR polycystic kidney disease. Identifiers: Orphanet 731, Orphanet 8378, MedGen C0085548, MeSH D017044, MONDO:0009889.

Submission:

Natera, Inc.
Classification: Likely pathogenic for Autosomal recessive polycystic kidney disease. Last evaluated: 2025-06-24. Review status: criteria provided, single submitter. Criteria: Natera Variant Classification Schema (03/2026). Collection method: clinical testing. Allele origin: germline.
Comment: The c.9084delT variant in PKHD1 is a frameshift variant predicted to shift the reading frame beginning at codon 3029 and leads to a stop codon 10 codons downstream. This variant is expected to result in nonsense mediated decay, truncation, or a dysfunctional protein product. This variant is rare in the general population with a frequency below the threshold expected for the associated phenotype(s). Given the available evidence, this variant is classified as Likely Pathogenic.

NM_138694.4(PKHD1):c.9084del (p.His3029fs)

Gene: PKHD1 (PKHD1 ciliary IPT domain containing fibrocystin/polyductin; minus strand). Cytogenetic location: 6p12.3.
Variant type: Deletion.
Coding change: c.9084del on transcript NM_138694.4 (MANE Select); coding-DNA position 9084, one base deleted (T; older notation c.9084delT).
Protein change: p.His3029fs; shifts the reading frame from histidine 3029.
Molecular consequence: frameshift variant.
Genome position (GRCh38, 1-based): chr6:51,748,532, A deleted on the plus strand (T on the coding strand, the reverse complement: PKHD1 is on the minus strand); the first of 2 consecutive A bases (chr6:51,748,532-51,748,533); deleting either gives the same sequence. VCF-style (leftmost placement, unchanged base first): chr6-51748531-GA-G. GRCh37 (hg19) VCF-style: chr6-51613329-GA-G.
Other names: c.9084del, p.His3029fs (NM_170724.3); short protein forms H3029fs.
Identifiers: ClinVar variation 4816792 (VCV004816792.2).